The following is an entry in ClinVar:

NM_000038.6(APC):c.3714dup (p.Arg1239Ter)

Gene: APC (APC regulator of Wnt signaling pathway; plus strand). Cytogenetic location: 5q22.2.
Variant type: Duplication.
Coding change: c.3714dup on transcript NM_000038.6 (MANE Select); coding-DNA position 3714, one base duplicated (T; older notation c.3714dupT).
Protein change: p.Arg1239Ter; replaces arginine 1239 with a stop codon.
Molecular consequence: nonsense. On other transcripts: non-coding transcript variant (2).
Genome position (GRCh38, 1-based): chr5:112,839,308, T duplicated. VCF-style (leftmost placement, unchanged base first): chr5-112839307-G-GT. GRCh37 (hg19) VCF-style: chr5-112175004-G-GT.
Other names: c.3714dup, p.Arg1239Ter (NM_001127510.3, NM_001354895.2, NM_001407450.1); c.3660dup, p.Arg1221Ter (NM_001127511.3); c.3768dup, p.Arg1257Ter (NM_001354896.2, NM_001407447.1, NM_001407448.1 and 1 more transcripts); c.3744dup, p.Arg1249Ter (NM_001354897.2); c.3639dup, p.Arg1214Ter (NM_001354898.2); c.3630dup, p.Arg1211Ter (NM_001354899.2); c.3591dup, p.Arg1198Ter (NM_001354900.2); c.3537dup, p.Arg1180Ter (NM_001354901.2, NM_001407453.1); and 11 more; short protein forms R1110*, R1138*, R1156*, R1211*, R1229*, R1079*, R1198*, R1239*.
Identifiers: ClinVar variation 4121347 (VCV004121347.1).

ClinVar aggregate classification (germline): Pathogenic (1 of 4 stars; one submission).

Conditions:
Hereditary cancer-predisposing syndrome. Also called: Hereditary neoplastic syndrome; Neoplastic Syndromes, Hereditary; Tumor predisposition; Hereditary Cancer Syndrome. Identifiers: Orphanet 140162, MedGen C0027672, MeSH D009386, MONDO:0015356.

Submission:

Ambry Genetics
Classification: Pathogenic for Hereditary cancer-predisposing syndrome. Last evaluated: 2025-08-26. Review status: criteria provided, single submitter. Criteria: Ambry Variant Classification Scheme 2023. Collection method: clinical testing. Allele origin: germline.
Comment: The c.3714dupT pathogenic mutation, located in coding exon 15 of the APC gene, results from a duplication of T at nucleotide position 3714, causing a translational frameshift with a predicted alternate stop codon (p.R1239*). This alteration occurs at the 3' terminus of theAPC gene, is not expected to trigger nonsense-mediated mRNA decay, and impacts the last 56% of the protein. However, premature stop codons are typically deleterious in nature and a significant portion of the protein is affected (Ambry internal data). This variant is considered to be rare based on population cohorts in the Genome Aggregation Database (gnomAD). Based on the supporting evidence, this variant is interpreted as a disease-causing mutation.